The following is an entry in ClinVar:

ClinVar aggregate classification (germline): Uncertain significance (1 of 4 stars; one submission).

Conditions:
LAMA2-related muscular dystrophy (LAMA2-RD). Also called: Laminin alpha 2-related dystrophy. Identifiers: MedGen C5679788, MONDO:0100228.

gnomAD v4.1: 5 of 1,613,384 alleles (0.00031%); highest among the groups gnomAD compares: Non-Finnish European, 0.00042%; no homozygotes.

Submission:

Labcorp Genetics (formerly Invitae), Labcorp
Classification: Uncertain significance for LAMA2-related muscular dystrophy. Last evaluated: 2024-10-07. Review status: criteria provided, single submitter. Criteria: Invitae Variant Classification Sherloc (09022015). Collection method: clinical testing. Allele origin: germline.
Comment: This sequence change replaces aspartic acid, which is acidic and polar, with tyrosine, which is neutral and polar, at codon 316 of the LAMA2 protein (p.Asp316Tyr). This variant is not present in population databases (gnomAD no frequency). This variant has not been reported in the literature in individuals affected with LAMA2-related conditions. ClinVar contains an entry for this variant (Variation ID: 2165102). Invitae Evidence Modeling of protein sequence and biophysical properties (such as structural, functional, and spatial information, amino acid conservation, physicochemical variation, residue mobility, and thermodynamic stability) indicates that this missense variant is not expected to disrupt LAMA2 protein function with a negative predictive value of 95%. In summary, the available evidence is currently insufficient to determine the role of this variant in disease. Therefore, it has been classified as a Variant of Uncertain Significance.

NM_000426.4(LAMA2):c.946G>T (p.Asp316Tyr)

Gene: LAMA2 (laminin subunit alpha 2; plus strand). Cytogenetic location: 6q22.33.
Variant type: single nucleotide variant.
Coding change: c.946G>T on transcript NM_000426.4 (MANE Select); coding-DNA position 946, G replaced by T.
Protein change: p.Asp316Tyr; replaces aspartic acid 316 with tyrosine.
Molecular consequence: missense variant.
Genome position (GRCh38, 1-based): chr6:129,149,015, G>T. VCF-style: chr6-129149015-G-T. GRCh37 (hg19) VCF-style: chr6-129470160-G-T.
Other names: c.946G>T, p.Asp316Tyr (NM_001079823.2); short protein forms D316Y.
Identifiers: ClinVar variation 2165102 (VCV002165102.4), dbSNP rs141340479, ClinGen allele CA365606555.